The following is an entry in ClinVar:

ClinVar aggregate classification (germline): Uncertain significance (1 of 4 stars; one submission).

Allele frequency attached by ClinVar (database versions not stated): gnomAD exomes below 0.00001; TOPMed below 0.00001.
gnomAD v4.1: 5 of 1,612,848 alleles (0.00031%); highest among the groups gnomAD compares: South Asian, 0.0022%; no homozygotes.

Submission:

Labcorp Genetics (formerly Invitae), Labcorp
Classification: Uncertain significance. Last evaluated: 2023-05-11. Review status: criteria provided, single submitter. Criteria: Invitae Variant Classification Sherloc (09022015). Collection method: clinical testing. Allele origin: germline.
Comment: This sequence change replaces threonine, which is neutral and polar, with isoleucine, which is neutral and non-polar, at codon 1999 of the DSCAML1 protein (p.Thr1999Ile). This variant is not present in population databases (gnomAD no frequency). In summary, the available evidence is currently insufficient to determine the role of this variant in disease. Therefore, it has been classified as a Variant of Uncertain Significance. An algorithm developed to predict the effect of missense changes on protein structure and function (PolyPhen-2) suggests that this variant is likely to be tolerated. This variant has not been reported in the literature in individuals affected with DSCAML1-related conditions.

NM_020693.4(DSCAML1):c.5816C>T (p.Thr1939Ile)

Gene: DSCAML1 (DS cell adhesion molecule like 1; minus strand). Cytogenetic location: 11q23.3.
Variant type: single nucleotide variant.
Coding change: c.5816C>T on transcript NM_020693.4 (MANE Select); coding-DNA position 5816, C replaced by T.
Protein change: p.Thr1939Ile; replaces threonine 1939 with isoleucine.
Molecular consequence: missense variant.
Genome position (GRCh38, 1-based): chr11:117,428,674, G>A on the plus strand (C>T on the coding strand, the complement: DSCAML1 is on the minus strand). VCF-style: chr11-117428674-G-A. GRCh37 (hg19) VCF-style: chr11-117299390-G-A.
Other names: short protein forms T1939I.
Identifiers: ClinVar variation 2863289 (VCV002863289.3), dbSNP rs2047717734, ClinGen allele CA382751345.